The following is an entry in ClinVar:

ClinVar aggregate classification (germline): Uncertain significance (1 of 4 stars; one submission).

Conditions:
Spermatogenic failure 18. Identifiers: MedGen C4539783, MONDO:0054615, OMIM 617576.
Ciliary dyskinesia, primary, 37 (CILD37). Also called: CILIARY DYSKINESIA, PRIMARY, 37, WITH OR WITHOUT SITUS INVERSUS. Identifiers: MedGen C4539798, MONDO:0033204, OMIM 617577.

Submission:

Labcorp Genetics (formerly Invitae), Labcorp
Classification: Uncertain significance for Ciliary dyskinesia, primary, 37; Spermatogenic failure 18. Last evaluated: 2018-08-09. Review status: criteria provided, single submitter. Criteria: Invitae Variant Classification Sherloc (09022015). Collection method: clinical testing. Allele origin: germline.
Comment: This sequence change replaces proline with alanine at codon 335 of the DNAH1 protein (p.Pro335Ala). The proline residue is highly conserved and there is a small physicochemical difference between proline and alanine. This variant is not present in population databases (ExAC no frequency). This variant has not been reported in the literature in individuals with DNAH1-related disease. Algorithms developed to predict the effect of missense changes on protein structure and function are either unavailable or do not agree on the potential impact of this missense change (SIFT: "Deleterious"; PolyPhen-2: "Benign"; Align-GVGD: "Class C0"). In summary, the available evidence is currently insufficient to determine the role of this variant in disease. Therefore, it has been classified as a Variant of Uncertain Significance.

NM_015512.5(DNAH1):c.1003C>G (p.Pro335Ala)

Gene: DNAH1 (dynein axonemal heavy chain 1; plus strand). Cytogenetic location: 3p21.1.
Variant type: single nucleotide variant.
Coding change: c.1003C>G on transcript NM_015512.5 (MANE Select); coding-DNA position 1003, C replaced by G.
Protein change: p.Pro335Ala; replaces proline 335 with alanine.
Molecular consequence: missense variant.
Genome position (GRCh38, 1-based): chr3:52,331,279, C>G. VCF-style: chr3-52331279-C-G. GRCh37 (hg19) VCF-style: chr3-52365295-C-G.
Other names: short protein forms P335A.
Identifiers: ClinVar variation 658740 (VCV000658740.6), dbSNP rs1553628078, ClinGen allele CA353079556.
Genomic context (GRCh38, chr3:52,331,279, plus strand): 5'-AAGCTATACCTGGTACACAAGACAGACGAGAAAGGCCTGGTGCGAGATGAGATGGGGAGG[C>G]CCATCCTGAATGCAGGGGTCACCACTGAAGGTATGAGGTCCTGCCGCTGCCCCAGGCAGA-3'
Protein context (NP_056327.4, residues 325-345): KGLVRDEMGR[Pro335Ala]ILNAGVTTEG